The following is an entry in ClinVar:

ClinVar aggregate classification (germline): Uncertain significance. Review status: criteria provided, multiple submitters, no conflicts (2 of 4 stars). 5 submissions from 5 submitters: Uncertain significance (5). Last evaluated 2025-11-09.

Conditions:
Cardiovascular phenotype. Identifiers: MedGen CN230736.
Arrhythmogenic right ventricular cardiomyopathy (ARVD). Also called: Arrhythmogenic cardiomyopathy; Arrhythmogenic Right Ventricular Cardiomyopathy (ARVC); Cardiomyopathy, ARVC; Arrhythmogenic right ventricular dysplasia. Identifiers: Orphanet 247, MedGen C0349788, MeSH D019571, MONDO:0016587. Disease mechanism: loss of function. Inheritance: Various modes of inheritance.
Cardiomyopathy (CMYO). Also called: Cardiomyopathies. Identifiers: Orphanet 167848, MedGen C0878544, MONDO:0004994, HP:0001638. Inheritance: Various modes of inheritance.
Arrhythmogenic right ventricular dysplasia 9 (ARVD9). Also called: Arrhythmogenic Right Ventricular Dysplasia/Cardiomyopathy 9; ARRHYTHMOGENIC RIGHT VENTRICULAR DYSPLASIA, FAMILIAL, 9. Identifiers: MedGen C1836906, MONDO:0012180, OMIM 609040.

Allele frequency attached by ClinVar (database versions not stated): ExAC 0.00002; gnomAD exomes 0.00002 and 0.00008; gnomAD 0.00005; TOPMed 0.00005.
gnomAD v4.1: 128 of 1,612,162 alleles (0.0079%); highest among the groups gnomAD compares: Non-Finnish European, 0.01%; no homozygotes.

Submissions (5):

Labcorp Genetics (formerly Invitae), Labcorp
Classification: Uncertain significance for Arrhythmogenic right ventricular dysplasia 9. Last evaluated: 2025-11-09. Review status: criteria provided, single submitter. Criteria: Invitae Variant Classification Sherloc (09022015). Collection method: clinical testing. Allele origin: germline.
Comment: This sequence change replaces threonine, which is neutral and polar, with methionine, which is neutral and non-polar, at codon 528 of the PKP2 protein (p.Thr528Met). This variant is present in population databases (rs774942476, gnomAD 0.004%). This missense change has been observed in individual(s) with arrhythmogenic right ventricular cardiomyopathy (PMID: 34120153). ClinVar contains an entry for this variant (Variation ID: 201987). An algorithm developed to predict the effect of missense changes on protein structure and function (PolyPhen-2) suggests that this variant is likely to be disruptive. In summary, the available evidence is currently insufficient to determine the role of this variant in disease. Therefore, it has been classified as a Variant of Uncertain Significance.

All of Us Research Program, National Institutes of Health
Classification: Uncertain significance for Arrhythmogenic right ventricular cardiomyopathy. Last evaluated: 2024-08-23. Review status: criteria provided, single submitter. Criteria: ACMG Guidelines, 2015. Collection method: clinical testing. Allele origin: germline. Inheritance: Autosomal dominant inheritance. Observed: 18 variant alleles, 18 heterozygotes.
Comment: This missense variant replaces threonine with methionine at codon 528 of the PKP2 protein. Computational prediction is inconclusive regarding the impact of this variant on protein structure and function (internally defined REVEL score threshold 0.5 < inconclusive < 0.7, PMID: 27666373). To our knowledge, functional studies have not been reported for this variant. This variant has not been reported in individuals affected with cardiovascular disorders in the literature. This variant has been identified in 6/251356 chromosomes in the general population by the Genome Aggregation Database (gnomAD). The available evidence is insufficient to determine the role of this variant in disease conclusively. Therefore, this variant is classified as a Variant of Uncertain Significance.

This study involves interpretation of variants in research participants for the purpose of population health screening. Participant phenotype was not available at the time of variant classification. Additional details can be found in publication PMID: 35346344, PMCID: PMC8962531

Color Diagnostics, LLC DBA Color Health
Classification: Uncertain significance for Cardiomyopathy. Last evaluated: 2024-04-17. Review status: criteria provided, single submitter. Criteria: ACMG Guidelines, 2015. Collection method: clinical testing. Allele origin: germline.
Comment: This missense variant replaces threonine with methionine at codon 528 of the PKP2 protein. Computational prediction is inconclusive regarding the impact of this variant on protein structure and function (internally defined REVEL score threshold 0.5 < inconclusive < 0.7, PMID: 27666373). To our knowledge, functional studies have not been reported for this variant. This variant has not been reported in individuals affected with cardiovascular disorders in the literature. This variant has been identified in 6/251356 chromosomes in the general population by the Genome Aggregation Database (gnomAD). The available evidence is insufficient to determine the role of this variant in disease conclusively. Therefore, this variant is classified as a Variant of Uncertain Significance.

Ambry Genetics
Classification: Uncertain significance for Cardiovascular phenotype. Last evaluated: 2024-03-14. Review status: criteria provided, single submitter. Criteria: Ambry Variant Classification Scheme 2023. Collection method: clinical testing. Allele origin: germline.
Comment: The p.T528M variant (also known as c.1583C>T), located in coding exon 7 of the PKP2 gene, results from a C to T substitution at nucleotide position 1583. The threonine at codon 528 is replaced by methionine, an amino acid with similar properties. This alteration has been reported in an ostensibly healthy control (Mazzarotto F et al. Circulation, 2020 Feb;141:387-398). This amino acid position is well conserved in available vertebrate species. In addition, the in silico prediction for this alteration is inconclusive. Based on the available evidence, the clinical significance of this alteration remains unclear.

Mayo Clinic Laboratories, Mayo Clinic
Classification: Uncertain significance. Last evaluated: 2022-04-08. Review status: criteria provided, single submitter. Criteria: ACMG Guidelines, 2015. Collection method: clinical testing. Allele origin: germline. Observed: 1 variant allele.

Literature cited by the submitters: PubMed 34120153 (cited by Labcorp Genetics (formerly Invitae), Labcorp); PubMed 31983221 (cited by Ambry Genetics).

NM_001005242.3(PKP2):c.1451C>T (p.Thr484Met)

Gene: PKP2 (plakophilin 2; minus strand). Cytogenetic location: 12p11.21.
Variant type: single nucleotide variant.
Coding change: c.1451C>T on transcript NM_001005242.3 (MANE Select); coding-DNA position 1451, C replaced by T.
Protein change: p.Thr484Met; replaces threonine 484 with methionine.
Molecular consequence: missense variant.
Genome position (GRCh38, 1-based): chr12:32,841,133, G>A on the plus strand (C>T on the coding strand, the complement: PKP2 is on the minus strand). VCF-style: chr12-32841133-G-A. GRCh37 (hg19) VCF-style: chr12-32994067-G-A.
Other names: p.Thr528Met; c.1583C>T, p.Thr528Met (NM_004572.4); short protein forms T528M, T484M.
Identifiers: ClinVar variation 201987 (VCV000201987.18), dbSNP rs774942476, ClinGen allele CA011207.